The following is an entry in ClinVar:

NM_001330260.2(SCN8A):c.685A>G (p.Lys229Glu)

Gene: SCN8A (sodium voltage-gated channel alpha subunit 8; plus strand). Cytogenetic location: 12q13.13.
Variant type: single nucleotide variant.
Coding change: c.685A>G on transcript NM_001330260.2 (MANE Select); coding-DNA position 685, A replaced by G.
Protein change: p.Lys229Glu; replaces lysine 229 with glutamic acid.
Molecular consequence: missense variant. On other transcripts: intron variant (2).
Genome position (GRCh38, 1-based): chr12:51,689,075, A>G. VCF-style: chr12-51689075-A-G. GRCh37 (hg19) VCF-style: chr12-52082859-A-G.
Other names: c.685A>G, p.Lys229Glu (NM_001369788.1); c.706+226A>G (NM_014191.4, NM_001177984.3); short protein forms K229E.
Identifiers: ClinVar variation 1104115 (VCV001104115.10), dbSNP rs2138716740, ClinGen allele CA385224834.

ClinVar aggregate classification (germline): Uncertain significance (1 of 4 stars; one submission).

Conditions:
Early-infantile DEE. Also called: Early infantile epileptic encephalopathy; Ohtahara syndrome; Early infantile epileptic encephalopathy with suppression bursts. Identifiers: Orphanet 1934, MedGen C0393706, MONDO:0800491.

Submission:

Labcorp Genetics (formerly Invitae), Labcorp
Classification: Uncertain significance for Early-infantile DEE. Last evaluated: 2023-05-23. Review status: criteria provided, single submitter. Criteria: Invitae Variant Classification Sherloc (09022015). Collection method: clinical testing. Allele origin: germline.
Comment: Algorithms developed to predict the effect of sequence changes on RNA splicing suggest that this variant is not likely to affect RNA splicing. In summary, the available evidence is currently insufficient to determine the role of this variant in disease. Therefore, it has been classified as a Variant of Uncertain Significance. Experimental studies and prediction algorithms are not available or were not evaluated, and the functional significance of this variant is currently unknown. ClinVar contains an entry for this variant (Variation ID: 1104115). This variant has not been reported in the literature in individuals affected with SCN8A-related conditions. This variant is not present in population databases (gnomAD no frequency). This sequence change replaces lysine, which is basic and polar, with glutamic acid, which is acidic and polar, at codon 229 of the SCN8A protein (p.Lys229Glu). The SCN8A gene has multiple clinically relevant transcripts. This variant occurs in alternate transcript NM_001330260.1, and corresponds to NM_014191.3:c.706+226A>G in the primary transcript.